The following is an entry in ClinVar:

ClinVar aggregate classification (germline): Uncertain significance (1 of 4 stars; one submission).

Conditions:
Cardiovascular phenotype. Identifiers: MedGen CN230736.

Allele frequency attached by ClinVar (database versions not stated): gnomAD exomes below 0.00001.
gnomAD v4.1: 2 of 1,612,952 alleles (0.00012%); highest among the groups gnomAD compares: Admixed American, 0.0033%; no homozygotes.

Submission:

Ambry Genetics
Classification: Uncertain significance for Cardiovascular phenotype. Last evaluated: 2021-08-12. Review status: criteria provided, single submitter. Criteria: Ambry Variant Classification Scheme 2023. Collection method: clinical testing. Allele origin: germline.
Comment: The p.I3068T variant (also known as c.9203T>C), located in coding exon 37 of the AKAP9 gene, results from a T to C substitution at nucleotide position 9203. The isoleucine at codon 3068 is replaced by threonine, an amino acid with similar properties. This amino acid position is conserved. In addition, this alteration is predicted to be tolerated by in silico analysis. Since supporting evidence is limited at this time, the clinical significance of this alteration remains unclear.

NM_005751.5(AKAP9):c.9203T>C (p.Ile3068Thr)

Gene: AKAP9 (A-kinase anchoring protein 9; plus strand). Cytogenetic location: 7q21.2.
Variant type: single nucleotide variant.
Coding change: c.9203T>C on transcript NM_005751.5 (MANE Select); coding-DNA position 9203, T replaced by C.
Protein change: p.Ile3068Thr; replaces isoleucine 3068 with threonine.
Molecular consequence: missense variant.
Genome position (GRCh38, 1-based): chr7:92,086,406, T>C. VCF-style: chr7-92086406-T-C. GRCh37 (hg19) VCF-style: chr7-91715720-T-C.
Other names: c.3848T>C, p.Ile1283Thr (NM_001379277.1); c.9179T>C, p.Ile3060Thr (NM_147185.3); short protein forms I1283T, I3060T, I3068T.
Identifiers: ClinVar variation 1766185 (VCV001766185.2), dbSNP rs1181749353, ClinGen allele CA368144222.